The following is an entry in ClinVar:

ClinVar aggregate classification (germline): Pathogenic (1 of 4 stars; one submission).

Conditions:
Multiple endocrine neoplasia, type 1 (MEN1). Also called: MEA I; MEN I; WERMER SYNDROME; Endocrine adenomatosis multiple; MEN 1. Identifiers: Orphanet 652, MedGen C0025267, MeSH D018761, MONDO:0007540, OMIM 131100.

Submission:

Labcorp Genetics (formerly Invitae), Labcorp
Classification: Pathogenic for Multiple endocrine neoplasia, type 1. Last evaluated: 2024-06-06. Review status: criteria provided, single submitter. Criteria: Invitae Variant Classification Sherloc (09022015). Collection method: clinical testing. Allele origin: germline.
Comment: This sequence change creates a premature translational stop signal (p.Asp136Serfs*42) in the MEN1 gene. It is expected to result in an absent or disrupted protein product. Loss-of-function variants in MEN1 are known to be pathogenic (PMID: 12112656, 17853334). Information on the frequency of this variant in the gnomAD database is not available, as this variant may be reported differently in the database. This variant has not been reported in the literature in individuals affected with MEN1-related conditions. For these reasons, this variant has been classified as Pathogenic.

Literature cited by the submitters: PubMed 12112656; PubMed 17853334.

NM_001370259.2(MEN1):c.406_415delinsTCCCT (p.Asp136fs)

Gene: MEN1 (menin 1; minus strand). Cytogenetic location: 11q13.1.
Variant type: Indel.
Coding change: c.406_415delinsTCCCT on transcript NM_001370259.2 (MANE Select); coding-DNA positions 406 to 415, GATCGGGCCC replaced by TCCCT.
Protein change: p.Asp136fs; shifts the reading frame from aspartic acid 136.
Molecular consequence: frameshift variant.
Genome position (GRCh38, 1-based): chr11:64,809,695-64,809,704, GGGCCCGATC replaced by AGGGA on the plus strand (GATCGGGCCC replaced by TCCCT on the coding strand, the reverse complement: MEN1 is on the minus strand). VCF-style: chr11-64809695-GGGCCCGATC-AGGGA. GRCh37 (hg19) VCF-style: chr11-64577167-GGGCCCGATC-AGGGA.
Other names: c.406_415delinsTCCCT, p.Asp136fs (NM_000244.4, NM_001370251.2, NM_001370260.2 and 9 more transcripts); short protein forms D136fs.
Identifiers: ClinVar variation 664398 (VCV000664398.6), dbSNP rs1592657785, ClinGen allele CA915948188.